The following is an entry in ClinVar:

NM_006431.3(CCT2):c.211C>G (p.Leu71Val)

Gene: CCT2 (chaperonin containing TCP1 subunit 2; plus strand). Cytogenetic location: 12q15.
Variant type: single nucleotide variant.
Coding change: c.211C>G on transcript NM_006431.3 (MANE Select); coding-DNA position 211, C replaced by G.
Protein change: p.Leu71Val; replaces leucine 71 with valine.
Molecular consequence: missense variant.
Genome position (GRCh38, 1-based): chr12:69,587,571, C>G. VCF-style: chr12-69587571-C-G. GRCh37 (hg19) VCF-style: chr12-69981351-C-G.
Other names: c.70C>G, p.Leu24Val (NM_001198842.2); short protein forms L71V, L24V.
Identifiers: ClinVar variation 1394425 (VCV001394425.6), dbSNP rs765322805, ClinGen allele CA6680492.

ClinVar aggregate classification (germline): Uncertain significance (1 of 4 stars; one submission).

Allele frequency attached by ClinVar (database versions not stated): gnomAD exomes below 0.00001 and 0.00002; ExAC 0.00002; TOPMed 0.00002.
gnomAD v4.1: 5 of 1,613,664 alleles (0.00031%); highest among the groups gnomAD compares: Admixed American, 0.0083%; no homozygotes.

Submission:

Labcorp Genetics (formerly Invitae), Labcorp
Classification: Uncertain significance. Last evaluated: 2022-09-26. Review status: criteria provided, single submitter. Criteria: Invitae Variant Classification Sherloc (09022015). Collection method: clinical testing. Allele origin: germline.
Comment: In summary, the available evidence is currently insufficient to determine the role of this variant in disease. Therefore, it has been classified as a Variant of Uncertain Significance. Algorithms developed to predict the effect of missense changes on protein structure and function are either unavailable or do not agree on the potential impact of this missense change (SIFT: "Deleterious"; PolyPhen-2: "Probably Damaging"; Align-GVGD: "Class C0"). ClinVar contains an entry for this variant (Variation ID: 1394425). This variant has not been reported in the literature in individuals affected with CCT2-related conditions. This variant is present in population databases (rs765322805, gnomAD 0.01%). This sequence change replaces leucine, which is neutral and non-polar, with valine, which is neutral and non-polar, at codon 71 of the CCT2 protein (p.Leu71Val).